The following is an entry in ClinVar:

ClinVar aggregate classification (germline): Likely benign (1 of 4 stars; one submission).

Allele frequency attached by ClinVar (database versions not stated): gnomAD exomes 0.00079; 1000 Genomes Project 30x 0.00172; ExAC 0.00192.

Submission:

CeGaT Center for Human Genetics Tuebingen
Classification: Likely benign. Last evaluated: 2023-01-01. Review status: criteria provided, single submitter. Criteria: CeGaT Center For Human Genetics Tuebingen Variant Classification Criteria Version 2. Collection method: clinical testing. Allele origin: germline. Affected: yes. Observed: 1 variant allele.
Comment: GOLGA8M: BS2

NM_001282468.3(GOLGA8M):c.1568G>A (p.Gly523Asp)

Gene: GOLGA8M (golgin A8 family member M; minus strand). Cytogenetic location: 15q13.1.
Variant type: single nucleotide variant.
Coding change: c.1568G>A on transcript NM_001282468.3 (MANE Select); coding-DNA position 1568, G replaced by A.
Protein change: p.Gly523Asp; replaces glycine 523 with aspartic acid.
Molecular consequence: missense variant.
Genome position (GRCh38, 1-based): chr15:28,702,369, C>T on the plus strand (G>A on the coding strand, the complement: GOLGA8M is on the minus strand). VCF-style: chr15-28702369-C-T. GRCh37 (hg19) VCF-style: chr15-28947515-C-T.
Other names: short protein forms G523D.
Identifiers: ClinVar variation 2645090 (VCV002645090.24), dbSNP rs754747516, ClinGen allele CA7444359.